The following is an entry in ClinVar:

NM_130837.3(OPA1):c.2520+13A>G

Gene: OPA1 (OPA1 mitochondrial dynamin like GTPase; plus strand). Cytogenetic location: 3q29.
Variant type: single nucleotide variant.
Coding change: c.2520+13A>G on transcript NM_130837.3 (MANE Select); 13 bases into the intron after coding-DNA position 2520, A replaced by G.
Molecular consequence: intron variant.
Genome position (GRCh38, 1-based): chr3:193,659,574, A>G. VCF-style: chr3-193659574-A-G. GRCh37 (hg19) VCF-style: chr3-193377363-A-G.
Other names: c.1983+13A>G (NM_001354664.2); c.1986+13A>G (NM_001354663.2); c.2409+13A>G (NM_130834.3); c.2466+13A>G (NM_130836.3); c.2355+13A>G (NM_015560.3); c.2412+13A>G (NM_130835.3); c.2301+13A>G (NM_130832.3); c.2358+13A>G (NM_130833.3); and 1 more.
Identifiers: ClinVar variation 195767 (VCV000195767.13), dbSNP rs371943802, ClinGen allele CA242348.

ClinVar aggregate classification (germline): Conflicting classifications of pathogenicity. Review status: criteria provided, conflicting classifications (1 of 4 stars). 4 submissions from 4 submitters: Uncertain significance (1); Likely benign (3). Last evaluated 2025-03-07.

Allele frequency attached by ClinVar (database versions not stated): gnomAD exomes 0.00001 and 0.00002; ExAC 0.00002; gnomAD 0.00003 and 0.00004; TOPMed 0.00010; ESP Exome Variant Server 0.00015.
gnomAD v4.1: 22 of 1,598,046 alleles (0.0014%); highest among the groups gnomAD compares: African/African-American, 0.03%; no homozygotes.

Submissions (4):

Labcorp Genetics (formerly Invitae), Labcorp
Classification: Likely benign. Last evaluated: 2025-03-07. Review status: criteria provided, single submitter. Criteria: Invitae Variant Classification Sherloc (09022015). Collection method: clinical testing. Allele origin: germline.

Blueprint Genetics
Classification: Likely benign. Last evaluated: 2023-11-27. Review status: criteria provided, single submitter. Criteria: ACMG Guidelines, 2015. Collection method: clinical testing. Allele origin: germline.

GeneDx
Classification: Likely benign. Last evaluated: 2016-10-12. Review status: criteria provided, single submitter. Criteria: GeneDx Variant Classification (06012015). Collection method: clinical testing. Allele origin: germline. Affected: yes.
Comment: This variant is considered likely benign or benign based on one or more of the following criteria: it is a conservative change, it occurs at a poorly conserved position in the protein, it is predicted to be benign by multiple in silico algorithms, and/or has population frequency not consistent with disease.

Eurofins Ntd Llc (ga)
Classification: Uncertain significance. Last evaluated: 2014-05-19. Review status: criteria provided, single submitter. Criteria: EGL Classification Definitions 2015. Collection method: clinical testing. Allele origin: germline. Observed: 2 variant alleles, 2 heterozygotes.